The following is an entry in ClinVar:

NC_000017.10:g.(?_48243336)_(48246625_?)del

Gene: SGCA (sarcoglycan alpha; plus strand). Cytogenetic location: 17q21.33.
Variant type: Deletion.
Identifiers: ClinVar variation 2422148 (VCV002422148.6).

ClinVar aggregate classification (germline): Pathogenic (1 of 4 stars; one submission).

Conditions:
Autosomal recessive limb-girdle muscular dystrophy type 2D (LGMDR3). Also called: MUSCULAR DYSTROPHY, LIMB-GIRDLE, AUTOSOMAL RECESSIVE 3; ADHALINOPATHY, PRIMARY; DUCHENNE-LIKE AUTOSOMAL RECESSIVE MUSCULAR DYSTROPHY, TYPE 2. Identifiers: Orphanet 62, MedGen C2936332, MONDO:0011968, OMIM 608099. Disease mechanism: Affects gamma-sarcoglycan and also disrupts the integrity of the entire sarcoglycan complex..

Submission:

Labcorp Genetics (formerly Invitae), Labcorp
Classification: Pathogenic for Autosomal recessive limb-girdle muscular dystrophy type 2D. Last evaluated: 2022-04-06. Review status: criteria provided, single submitter. Criteria: Invitae Variant Classification Sherloc (09022015). Collection method: clinical testing. Allele origin: germline.
Comment: This variant is a gross deletion of the genomic region encompassing exon(s) 1-6 of the SGCA gene, which includes the initiator codon. This deletion extends beyond the assayed region for this gene and therefore may encompass additional genes. It is expected to result in an absent or disrupted protein product. Loss-of-function variants in SGCA are known to be pathogenic (PMID: 9192266). This variant has not been reported in the literature in individuals affected with SGCA-related conditions. For these reasons, this variant has been classified as Pathogenic.

Literature cited by the submitters: PubMed 9192266.